The following is an entry in ClinVar:

NM_000373.4(UMPS):c.*526A>G

Gene: UMPS (uridine monophosphate synthetase; plus strand). Cytogenetic location: 3q21.2.
Variant type: single nucleotide variant.
Coding change: c.*526A>G on transcript NM_000373.4 (MANE Select); 526 bases downstream of the stop codon, A replaced by G.
Molecular consequence: 3 prime UTR variant. On other transcripts: non-coding transcript variant (2).
Genome position (GRCh38, 1-based): chr3:124,744,610, A>G. VCF-style: chr3-124744610-A-G. GRCh37 (hg19) VCF-style: chr3-124463457-A-G.
Identifiers: ClinVar variation 342939 (VCV000342939.5), dbSNP rs2242246, ClinGen allele CA2581941.
Genomic context (GRCh38, chr3:124,744,610, plus strand): 5'-AGGCATGCACCACCACGTCCATCTAAATTTCTTTATTATTTGTAGAGATGAGGTCTTGCC[A>G]TGTTACCCAGGCTGGTCTCAACTCCTGGGCTCAAGCGATCCTCCTGCCTCAGTCTCTCAA-3'

ClinVar aggregate classification (germline): Benign (1 of 4 stars; one submission).

Conditions:
Oroticaciduria. Also called: Orotic aciduria. Identifiers: Orphanet 30, MedGen C0268128, HP:0003218.

Allele frequency attached by ClinVar (database versions not stated): gnomAD 0.01361 and 0.01140; TOPMed 0.01400; 1000 Genomes Project 30x 0.02764; ExAC 0.03205; gnomAD exomes 0.02139 and 0.02620; 1000 Genomes Project 0.02776.
gnomAD v4.1: 8,424 of 453,662 alleles (1.9%); highest among the groups gnomAD compares: East Asian, 6.1%; 172 homozygotes.

Submission:

Illumina Laboratory Services, Illumina
Classification: Benign for Hereditary orotic aciduria. Last evaluated: 2018-01-13. Review status: criteria provided, single submitter. Criteria: ICSL Variant Classification Criteria 13 December 2019. Collection method: clinical testing. Allele origin: germline.
Comment: This variant was observed in the ICSL laboratory as part of a predisposition screen in an ostensibly healthy population. It had not been previously curated by ICSL or reported in the Human Gene Mutation Database (HGMD: prior to June 1st, 2018), and was therefore a candidate for classification through an automated scoring system. Utilizing variant allele frequency, disease prevalence and penetrance estimates, and inheritance mode, an automated score was calculated to assess if this variant is too frequent to cause the disease. Based on the score and internal cut-off values, a variant classified as benign is not then subjected to further curation. The score for this variant resulted in a classification of benign for this disease.